The following is an entry in ClinVar:

ClinVar aggregate classification (germline): Uncertain significance. Review status: criteria provided, multiple submitters, no conflicts (2 of 4 stars). 2 submissions from 2 submitters: Uncertain significance (2). Last evaluated 2023-02-01.

Allele frequency attached by ClinVar (database versions not stated): gnomAD 0.00001; gnomAD exomes 0.00001.
gnomAD v4.1: 11 of 1,613,930 alleles (0.00068%); highest among the groups gnomAD compares: African/African-American, 0.0013%; no homozygotes.

Submissions (2):

Ambry Genetics
Classification: Uncertain significance. Last evaluated: 2023-02-01. Review status: criteria provided, single submitter. Criteria: Ambry Variant Classification Scheme 2023. Collection method: clinical testing. Allele origin: germline.

CeGaT Center for Human Genetics Tuebingen
Classification: Uncertain significance. Last evaluated: 2022-05-01. Review status: criteria provided, single submitter. Criteria: CeGaT Center For Human Genetics Tuebingen Variant Classification Criteria Version 2. Collection method: clinical testing. Allele origin: germline. Affected: yes. Observed: 1 variant allele.
Comment: TENM4: PM2

NM_001098816.3(TENM4):c.3655A>G (p.Ser1219Gly)

Gene: TENM4 (teneurin transmembrane protein 4; minus strand). Cytogenetic location: 11q14.1.
Variant type: single nucleotide variant.
Coding change: c.3655A>G on transcript NM_001098816.3 (MANE Select); coding-DNA position 3655, A replaced by G.
Protein change: p.Ser1219Gly; replaces serine 1219 with glycine.
Molecular consequence: missense variant.
Genome position (GRCh38, 1-based): chr11:78,722,813, T>C on the plus strand (A>G on the coding strand, the complement: TENM4 is on the minus strand). VCF-style: chr11-78722813-T-C. GRCh37 (hg19) VCF-style: chr11-78433858-T-C.
Other names: short protein forms S1219G.
Identifiers: ClinVar variation 2480272 (VCV002480272.26), dbSNP rs1855421712, ClinGen allele CA382120778.
Genomic context (GRCh38, chr11:78,722,813, plus strand): 5'-AGCCACAGGTGAGGGCCACTGGGGCCAGGAGCTTGTTGCCGTCAGCAAGGCCGTTGCAGC[T>C]GGGGCAGGAGATGCTTCTCCGGCGCCCATTGCCCATGATGCTCCCAATGACAGGAGGCTG-3'
Protein context (NP_001092286.2, residues 1209-1229): NGRRRSISCP[Ser1219Gly]CNGLADGNKL